The following is an entry in ClinVar:

NM_000350.3(ABCA4):c.2408G>A (p.Gly803Glu)

Gene: ABCA4 (ATP binding cassette subfamily A member 4; minus strand). Cytogenetic location: 1p22.1.
Variant type: single nucleotide variant.
Coding change: c.2408G>A on transcript NM_000350.3 (MANE Select); coding-DNA position 2408, G replaced by A.
Protein change: p.Gly803Glu; replaces glycine 803 with glutamic acid.
Molecular consequence: missense variant.
Genome position (GRCh38, 1-based): chr1:94,055,290, C>T on the plus strand (G>A on the coding strand, the complement: ABCA4 is on the minus strand). VCF-style: chr1-94055290-C-T. GRCh37 (hg19) VCF-style: chr1-94520846-C-T.
Other names: c.2186G>A, p.Gly729Glu (NM_001425324.1); short protein forms G803E, G729E.
Identifiers: ClinVar variation 4745908 (VCV004745908.2).
Genomic context (GRCh38, chr1:94,055,290, plus strand): 5'-TTGCTCCACTGCAGCCCCAGGCCTTGCTCTTCAAAGCGAACCAGGTACTCAGTGCCAAAT[C>T]CAAATGCCACCGGAGACAGTAAGCTCTGCAGTGAGGCGGAGAGGGCACAGAAAAAGAGCA-3'
Protein context (NP_000341.2, residues 793-813): AVSLLSPVAF[Gly803Glu]FGTEYLVRFE

ClinVar aggregate classification (germline): Conflicting classifications of pathogenicity. Review status: criteria provided, conflicting classifications (1 of 4 stars). 2 submissions from 2 submitters: Likely pathogenic (1); Uncertain significance (1). Last evaluated 2025-07-08.

Submissions (2):

Labcorp Genetics (formerly Invitae), Labcorp
Classification: Likely pathogenic. Last evaluated: 2025-07-08. Review status: criteria provided, single submitter. Criteria: Invitae Variant Classification Sherloc (09022015). Collection method: clinical testing. Allele origin: germline.
Comment: This sequence change replaces glycine, which is neutral and non-polar, with glutamic acid, which is acidic and polar, at codon 803 of the ABCA4 protein (p.Gly803Glu). This variant is not present in population databases (gnomAD no frequency). This missense change has been observed in individual(s) with Stargardt disease (internal data). Invitae Evidence Modeling of protein sequence and biophysical properties (such as structural, functional, and spatial information, amino acid conservation, physicochemical variation, residue mobility, and thermodynamic stability) indicates that this missense variant is expected to disrupt ABCA4 protein function with a positive predictive value of 95%. In summary, the currently available evidence indicates that the variant is pathogenic, but additional data are needed to prove that conclusively. Therefore, this variant has been classified as Likely Pathogenic.

Blueprint Genetics
Classification: Uncertain significance. Last evaluated: 2023-07-05. Review status: criteria provided, single submitter. Criteria: ACMG Guidelines, 2015. Collection method: clinical testing. Allele origin: germline.